The following is an entry in ClinVar:

NM_172364.5(CACNA2D4):c.2453G>T (p.Arg818Leu)

Gene: CACNA2D4 (calcium voltage-gated channel auxiliary subunit alpha2delta 4; minus strand). Cytogenetic location: 12p13.33.
Variant type: single nucleotide variant.
Coding change: c.2453G>T on transcript NM_172364.5 (MANE Select); coding-DNA position 2453, G replaced by T.
Protein change: p.Arg818Leu; replaces arginine 818 with leucine.
Molecular consequence: missense variant.
Genome position (GRCh38, 1-based): chr12:1,844,419, C>A on the plus strand (G>T on the coding strand, the complement: CACNA2D4 is on the minus strand). VCF-style: chr12-1844419-C-A. GRCh37 (hg19) VCF-style: chr12-1953585-C-A.
Other names: short protein forms R818L.
Identifiers: ClinVar variation 955120 (VCV000955120.10), dbSNP rs750502929, ClinGen allele CA6386700.
Genomic context (GRCh38, chr12:1,844,419, plus strand): 5'-CCTGAGACTGGCCCAGCCCCGGGAGCACCGGGCTGTGTGTTACCTGGTCCTTCTGCCCAG[C>A]GGAGGTTGAAGACGAAGCTGCCAGCAGGATGCTCTGAGGCCTGGCGGTACCACAGCGGGA-3'
Protein context (NP_758952.4, residues 808-828): HPAGSFVFNL[Arg818Leu]WAEGPESAGE

ClinVar aggregate classification (germline): Uncertain significance. Review status: criteria provided, multiple submitters, no conflicts (2 of 4 stars). 2 submissions from 2 submitters: Uncertain significance (2). Last evaluated 2024-08-19.

Conditions:
Inborn genetic diseases. Identifiers: MedGen C0950123, MeSH D030342.

Allele frequency attached by ClinVar (database versions not stated): gnomAD 0.00001.
gnomAD v4.1: 4 of 1,613,412 alleles (0.00025%); highest among the groups gnomAD compares: East Asian, 0.0089%; no homozygotes.

Submissions (2):

Labcorp Genetics (formerly Invitae), Labcorp
Classification: Uncertain significance. Last evaluated: 2024-08-19. Review status: criteria provided, single submitter. Criteria: Invitae Variant Classification Sherloc (09022015). Collection method: clinical testing. Allele origin: germline.
Comment: This sequence change replaces arginine, which is basic and polar, with leucine, which is neutral and non-polar, at codon 818 of the CACNA2D4 protein (p.Arg818Leu). This variant is present in population databases (rs750502929, gnomAD 0.02%). This variant has not been reported in the literature in individuals affected with CACNA2D4-related conditions. ClinVar contains an entry for this variant (Variation ID: 955120). An algorithm developed to predict the effect of missense changes on protein structure and function (PolyPhen-2) suggests that this variant is likely to be tolerated. In summary, the available evidence is currently insufficient to determine the role of this variant in disease. Therefore, it has been classified as a Variant of Uncertain Significance.

Ambry Genetics
Classification: Uncertain significance for Inborn genetic diseases. Last evaluated: 2024-05-26. Review status: criteria provided, single submitter. Criteria: Ambry Variant Classification Scheme 2023. Collection method: clinical testing. Allele origin: germline.